The following is an entry in ClinVar:

NM_001378454.1(ALMS1):c.11717G>T (p.Gly3906Val)

Gene: ALMS1 (ALMS1 centrosome and basal body associated protein; plus strand). Cytogenetic location: 2p13.1.
Variant type: single nucleotide variant.
Coding change: c.11717G>T on transcript NM_001378454.1 (MANE Select); coding-DNA position 11717, G replaced by T.
Protein change: p.Gly3906Val; replaces glycine 3906 with valine.
Molecular consequence: missense variant.
Genome position (GRCh38, 1-based): chr2:73,600,726, G>T. VCF-style: chr2-73600726-G-T. GRCh37 (hg19) VCF-style: chr2-73827853-G-T.
Other names: c.11720G>T, p.Gly3907Val (NM_015120.4); short protein forms G3907V, G3906V.
Identifiers: ClinVar variation 4826358 (VCV004826358.1).

ClinVar aggregate classification (germline): Uncertain significance (1 of 4 stars; one submission).

Conditions:
Cardiovascular phenotype. Identifiers: MedGen CN230736.

gnomAD v4.1: 2 of 1,613,994 alleles (0.00012%); highest among the groups gnomAD compares: East Asian, 0.0045%; no homozygotes.

Submission:

Ambry Genetics
Classification: Uncertain significance for Cardiovascular phenotype. Last evaluated: 2026-03-11. Review status: criteria provided, single submitter. Criteria: Ambry Variant Classification Scheme 2023. Collection method: clinical testing. Allele origin: germline.
Comment: The p.G3907V variant (also known as c.11720G>T), located in coding exon 18 of the ALMS1 gene, results from a G to T substitution at nucleotide position 11720. The glycine at codon 3907 is replaced by valine, an amino acid with dissimilar properties. This amino acid position is highly conserved in available vertebrate species. In addition, this alteration is predicted to be deleterious by in silico analysis. Based on the available evidence, the clinical significance of this variant remains unclear.